The following is an entry in ClinVar:

ClinVar aggregate classification (germline): Uncertain significance. Review status: criteria provided, multiple submitters, no conflicts (2 of 4 stars). 2 submissions from 2 submitters: Uncertain significance (2). Last evaluated 2025-05-30.

Conditions:
Oligodontia-cancer predisposition syndrome. Also called: TOOTH AGENESIS-COLORECTAL CANCER SYNDROME. Identifiers: Orphanet 300576, MedGen C1837750, MONDO:0012075, OMIM 608615. Disease mechanism: loss of function.
Hereditary cancer-predisposing syndrome. Also called: Hereditary neoplastic syndrome; Neoplastic Syndromes, Hereditary; Tumor predisposition; Hereditary Cancer Syndrome. Identifiers: Orphanet 140162, MedGen C0027672, MeSH D009386, MONDO:0015356.

Submissions (2):

Labcorp Genetics (formerly Invitae), Labcorp
Classification: Uncertain significance for Oligodontia-cancer predisposition syndrome. Last evaluated: 2025-05-30. Review status: criteria provided, single submitter. Criteria: Invitae Variant Classification Sherloc (09022015). Collection method: clinical testing. Allele origin: germline.
Comment: This sequence change replaces cysteine, which is neutral and slightly polar, with serine, which is neutral and polar, at codon 543 of the AXIN2 protein (p.Cys543Ser). This variant is not present in population databases (gnomAD no frequency). This variant has not been reported in the literature in individuals affected with AXIN2-related conditions. ClinVar contains an entry for this variant (Variation ID: 565708). Invitae Evidence Modeling of protein sequence and biophysical properties (such as structural, functional, and spatial information, amino acid conservation, physicochemical variation, residue mobility, and thermodynamic stability) indicates that this missense variant is not expected to disrupt AXIN2 protein function with a negative predictive value of 80%. In summary, the available evidence is currently insufficient to determine the role of this variant in disease. Therefore, it has been classified as a Variant of Uncertain Significance.

Ambry Genetics
Classification: Uncertain significance for Hereditary cancer-predisposing syndrome. Last evaluated: 2021-12-18. Review status: criteria provided, single submitter. Criteria: Ambry Variant Classification Scheme 2023. Collection method: clinical testing. Allele origin: germline.
Comment: The p.C543S variant (also known as c.1628G>C), located in coding exon 5 of the AXIN2 gene, results from a G to C substitution at nucleotide position 1628. The cysteine at codon 543 is replaced by serine, an amino acid with dissimilar properties. This amino acid position is well conserved in available vertebrate species. In addition, the in silico prediction for this alteration is inconclusive. Since supporting evidence is limited at this time, the clinical significance of this alteration remains unclear.

NM_004655.4(AXIN2):c.1628G>C (p.Cys543Ser)

Gene: AXIN2 (axin 2; minus strand). Cytogenetic location: 17q24.1.
Variant type: single nucleotide variant.
Coding change: c.1628G>C on transcript NM_004655.4 (MANE Select); coding-DNA position 1628, G replaced by C.
Protein change: p.Cys543Ser; replaces cysteine 543 with serine.
Molecular consequence: missense variant.
Genome position (GRCh38, 1-based): chr17:65,537,408, C>G on the plus strand (G>C on the coding strand, the complement: AXIN2 is on the minus strand). VCF-style: chr17-65537408-C-G. GRCh37 (hg19) VCF-style: chr17-63533526-C-G.
Other names: c.1628G>C (LRG_296t1); c.1628G>C, p.Cys543Ser (NM_001363813.1); short protein forms C543S.
Identifiers: ClinVar variation 565708 (VCV000565708.11), dbSNP rs749312775, ClinGen allele CA400677097.